The following is an entry in ClinVar:

ClinVar aggregate classification (germline): Likely benign (1 of 4 stars; one submission).

Conditions:
Progressive sclerosing poliodystrophy (MTDPS4A). Also called: Alpers-Huttenlocher Syndrome (AHS); Alpers Syndrome; ALPERS PROGRESSIVE INFANTILE POLIODYSTROPHY; Mitochondrial DNA depletion syndrome 4A (Alpers type); ALPERS DIFFUSE DEGENERATION OF CEREBRAL GRAY MATTER WITH HEPATIC CIRRHOSIS; Alpers-Huttenlocher Syndrome. Identifiers: Orphanet 726, MedGen C0205710, MONDO:0008758, OMIM 203700.

Submission:

Wong Mito Lab, Molecular and Human Genetics, Baylor College of Medicine
Classification: Likely benign for Progressive sclerosing poliodystrophy. Last evaluated: 2018-10-01. Review status: criteria provided, single submitter. Criteria: ACMG Guidelines, 2015. Collection method: clinical testing. Allele origin: germline.
Comment: The NM_002693.2:c.1586-33_1586-31del (NP_002684.1:p.=) [GRCH38: NC_000015.10:g.89326771_89326773del] variant in POLG gene is interpretated to be a Likely Benign based on ACMG guidelines (PMID: 25741868). This variant meets the following evidence codes reported in the ACMG-guideline. BP4:Computational evidence/predictors indicate no impact on the POLG structure, function, or protein-protein interaction. BP6:Reputable source(s) without shared data suggest the variant is benign. Based on the evidence criteria codes applied, the variant is suggested to be Likely Benign.

NM_002693.3(POLG):c.1586-33_1586-31del

Genes: MIR6766 (microRNA 6766; minus strand), POLG (DNA polymerase gamma, catalytic subunit; minus strand). Cytogenetic location: 15q26.1.
Variant type: Deletion.
Coding change: c.1586-33_1586-31del on transcript NM_002693.3 (MANE Select); 33 bases into the intron before coding-DNA position 1586 through 31 bases into the intron before coding-DNA position 1586, 3 bases deleted (CCT; older notation c.1586-33_1586-31delCCT).
Molecular consequence: intron variant. On other transcripts: non-coding transcript variant (1).
Genome position (GRCh38, 1-based): chr15:89,326,769-89,326,771, AGG deleted on the plus strand (CCT on the coding strand, the reverse complement: POLG is on the minus strand); deleting any 3 consecutive bases within chr15:89,326,769-89,326,773 gives the same sequence; the c. name uses the placement nearest the transcript's 3' end. VCF-style (leftmost placement, unchanged base first): chr15-89326768-CAGG-C. GRCh37 (hg19) VCF-style: chr15-89869999-CAGG-C.
Other names: c.1586-33_1586-31del (NM_001126131.2).
Identifiers: ClinVar variation 619459 (VCV000619459.1), dbSNP rs1567190938, ClinGen allele CA10602196.